The following is an entry in ClinVar:

ClinVar aggregate classification (germline): Uncertain significance (1 of 4 stars; one submission).

Submission:

Women's Health and Genetics/Laboratory Corporation of America, LabCorp
Classification: Uncertain significance. Last evaluated: 2023-11-17. Review status: criteria provided, single submitter. Criteria: LabCorp Variant Classification Summary - May 2015. Collection method: clinical testing. Allele origin: germline.
Comment: Variant summary: SETD2 c.6095A>G (p.Glu2032Gly) results in a non-conservative amino acid change in the encoded protein sequence. Five of five in-silico tools predict a damaging effect of the variant on protein function. The variant was absent in 251200 control chromosomes (gnomAD). The available data on variant occurrences in the general population are insufficient to allow any conclusion about variant significance. To our knowledge, no occurrence of c.6095A>G in individuals affected with Luscan-Lumish Syndrome and no experimental evidence demonstrating its impact on protein function have been reported. No submitters have cited clinical-significance assessments for this variant to ClinVar after 2014. Based on the evidence outlined above, the variant was classified as uncertain significance.

NM_014159.7(SETD2):c.6095A>G (p.Glu2032Gly)

Gene: SETD2 (SET domain containing 2, histone lysine methyltransferase; minus strand). Cytogenetic location: 3p21.31.
Variant type: single nucleotide variant.
Coding change: c.6095A>G on transcript NM_014159.7 (MANE Select); coding-DNA position 6095, A replaced by G.
Protein change: p.Glu2032Gly; replaces glutamic acid 2032 with glycine.
Molecular consequence: missense variant. On other transcripts: non-coding transcript variant (1).
Genome position (GRCh38, 1-based): chr3:47,067,084, T>C on the plus strand (A>G on the coding strand, the complement: SETD2 is on the minus strand). VCF-style: chr3-47067084-T-C. GRCh37 (hg19) VCF-style: chr3-47108574-T-C.
Other names: c.5963A>G, p.Glu1988Gly (NM_001349370.3); short protein forms E1988G, E2032G.
Identifiers: ClinVar variation 2682611 (VCV002682611.1), dbSNP rs2545482094, ClinGen allele CA352527281.